The following is an entry in ClinVar:

ClinVar aggregate classification (germline): Likely pathogenic (1 of 4 stars; one submission).

Submission:

GeneDx
Classification: Likely pathogenic. Last evaluated: 2026-01-29. Review status: criteria provided, single submitter. Criteria: GeneDx Variant Classification Process June 2021. Collection method: clinical testing. Allele origin: germline.
Comment: Frameshift variant predicted to result in abnormal protein length as the last 22 amino acid(s) are replaced with 24 different amino acid(s), and other similar variants have been reported in HGMD; Not observed at significant frequency in large population cohorts (gnomAD); Has not been previously published as pathogenic or benign to our knowledge

NM_152641.4(ARID2):c.5441_5443delinsTT (p.Cys1814fs)

Gene: ARID2 (AT-rich interaction domain 2; plus strand). Cytogenetic location: 12q12.
Variant type: Indel.
Coding change: c.5441_5443delinsTT on transcript NM_152641.4 (MANE Select); coding-DNA positions 5441 to 5443, GCC replaced by TT.
Protein change: p.Cys1814fs; shifts the reading frame from cysteine 1814.
Molecular consequence: frameshift variant.
Genome position (GRCh38, 1-based): chr12:45,905,011-45,905,013, GCC replaced by TT. VCF-style: chr12-45905011-GCC-TT. GRCh37 (hg19) VCF-style: chr12-46298794-GCC-TT.
Other names: short protein forms C1814fs.
Identifiers: ClinVar variation 4083456 (VCV004083456.2).